The following is an entry in ClinVar:

NM_000492.4(CFTR):c.1330A>G (p.Ile444Val)

Genes: CFTR (CF transmembrane conductance regulator; plus strand), CFTR-AS1 (CFTR antisense RNA 1; minus strand). Cytogenetic location: 7q31.2.
Variant type: single nucleotide variant.
Coding change: c.1330A>G on transcript NM_000492.4 (MANE Select); coding-DNA position 1330, A replaced by G.
Protein change: p.Ile444Val; replaces isoleucine 444 with valine.
Molecular consequence: missense variant.
Genome position (GRCh38, 1-based): chr7:117,548,761, A>G. VCF-style: chr7-117548761-A-G. GRCh37 (hg19) VCF-style: chr7-117188815-A-G.
Other names: short protein forms I444V.
Identifiers: ClinVar variation 3231823 (VCV003231823.1), dbSNP rs758342553, ClinGen allele CA4450974.
Genomic context (GRCh38, chr7:117,548,761, plus strand): 5'-GGTGATGACAGCCTCTTCTTCAGTAATTTCTCACTTCTTGGTACTCCTGTCCTGAAAGAT[A>G]TTAATTTCAAGATAGAAAGAGGACAGTTGTTGGCGGTTGCTGGATCCACTGGAGCAGGCA-3'
Protein context (NP_000483.3, residues 434-454): SLLGTPVLKD[Ile444Val]NFKIERGQLL

ClinVar aggregate classification (germline): Uncertain significance (1 of 4 stars; one submission).

Conditions:
Cystic fibrosis (CF). Also called: MUCOVISCIDOSIS. Identifiers: Orphanet 586, MedGen C0010674, MONDO:0009061, OMIM 219700. Disease mechanism: loss of function.

Allele frequency attached by ClinVar (database versions not stated): ExAC 0.00001.

Submission:

Ambry Genetics
Classification: Uncertain significance for Cystic fibrosis. Last evaluated: 2024-02-07. Review status: criteria provided, single submitter. Criteria: Ambry Variant Classification Scheme 2023. Collection method: clinical testing. Allele origin: germline.
Comment: The p.I444V variant (also known as c.1330A>G), located in coding exon 10 of the CFTR gene, results from an A to G substitution at nucleotide position 1330. The isoleucine at codon 444 is replaced by valine, an amino acid with highly similar properties. This amino acid position is highly conserved in available vertebrate species. In addition, the in silico prediction for this alteration is inconclusive. Based on the available evidence, the clinical significance of this alteration remains unclear.